The following is an entry in ClinVar:

NM_001395980.1(FKBP1C):c.32G>T (p.Gly11Val)

Gene: FKBP1C (FKBP prolyl isomerase family member 1C; plus strand). Cytogenetic location: 6q12.
Variant type: single nucleotide variant.
Coding change: c.32G>T on transcript NM_001395980.1 (MANE Select); coding-DNA position 32, G replaced by T.
Protein change: p.Gly11Val; replaces glycine 11 with valine.
Molecular consequence: missense variant.
Genome position (GRCh38, 1-based): chr6:63,211,588, G>T. VCF-style: chr6-63211588-G-T. GRCh37 (hg19) VCF-style: chr6-63921493-G-T.
Other names: short protein forms G11V.
Identifiers: ClinVar variation 3904886 (VCV003904886.10).

ClinVar aggregate classification (germline): Likely benign (1 of 4 stars; one submission).

gnomAD v4.1: 8,731 of 1,530,684 alleles (0.57%); highest among the groups gnomAD compares: Non-Finnish European, 0.69%; 53 homozygotes.

Submission:

CeGaT Center for Human Genetics Tuebingen
Classification: Likely benign. Last evaluated: 2025-06-01. Review status: criteria provided, single submitter. Criteria: CeGaT Center For Human Genetics Tuebingen Variant Classification Criteria Version 2. Collection method: clinical testing. Allele origin: germline. Affected: yes. Observed: 1 variant allele.
Comment: FKBP1C: BP4, BS2